The following is an entry in ClinVar:

ClinVar aggregate classification (germline): Uncertain significance (1 of 4 stars; one submission).

Conditions:
POLD1-related polyposis and colorectal cancer syndrome (CRCS10). Also called: COLORECTAL CANCER, SUSCEPTIBILITY TO, ON CHROMOSOME 19q; Colorectal cancer 10; Colorectal cancer, susceptibility to, 10. Identifiers: Orphanet 220460, MedGen C2675481, MONDO:0012953, OMIM 612591.

Submission:

Labcorp Genetics (formerly Invitae), Labcorp
Classification: Uncertain significance for POLD1-related polyposis and colorectal cancer syndrome. Last evaluated: 2025-02-27. Review status: criteria provided, single submitter. Criteria: Invitae Variant Classification Sherloc (09022015). Collection method: clinical testing. Allele origin: germline.
Comment: This sequence change replaces leucine, which is neutral and non-polar, with proline, which is neutral and non-polar, at codon 974 of the POLD1 protein (p.Leu974Pro). This variant is not present in population databases (gnomAD no frequency). This variant has not been reported in the literature in individuals affected with POLD1-related conditions. Invitae Evidence Modeling of protein sequence and biophysical properties (such as structural, functional, and spatial information, amino acid conservation, physicochemical variation, residue mobility, and thermodynamic stability) indicates that this missense variant is expected to disrupt POLD1 protein function with a positive predictive value of 80%. In summary, the available evidence is currently insufficient to determine the role of this variant in disease. Therefore, it has been classified as a Variant of Uncertain Significance.

NM_002691.4(POLD1):c.2921T>C (p.Leu974Pro)

Gene: POLD1 (DNA polymerase delta 1, catalytic subunit; plus strand). Cytogenetic location: 19q13.33.
Variant type: single nucleotide variant.
Coding change: c.2921T>C on transcript NM_002691.4 (MANE Select); coding-DNA position 2921, T replaced by C.
Protein change: p.Leu974Pro; replaces leucine 974 with proline.
Molecular consequence: missense variant. On other transcripts: non-coding transcript variant (1).
Genome position (GRCh38, 1-based): chr19:50,416,496, T>C. VCF-style: chr19-50416496-T-C. GRCh37 (hg19) VCF-style: chr19-50919753-T-C.
Other names: c.2921T>C, p.Leu974Pro (NM_001256849.1, NM_001438212.1, NM_001438213.1); c.2999T>C, p.Leu1000Pro (NM_001308632.1); c.2849T>C, p.Leu950Pro (NM_001438210.1, NM_001438211.1); short protein forms L950P, L1000P, L974P.
Identifiers: ClinVar variation 4733586 (VCV004733586.1).
Genomic context (GRCh38, chr19:50,416,496, plus strand): 5'-CGCAGTACTACCTGGAGCAGCAGCTGGCCAAGCCCCTCCTGCGCATCTTCGAGCCCATCC[T>C]GGGCGAGGGCCGTGCCGAGGCTGTGCTACTGCGTACGGGGGCACCAGGGGACTGGGGGCA-3'
Protein context (NP_002682.2, residues 964-984): KPLLRIFEPI[Leu974Pro]GEGRAEAVLL